The following is an entry in ClinVar:

NM_001111125.3(IQSEC2):c.3278-14C>T

Gene: IQSEC2 (IQ motif and Sec7 domain ArfGEF 2; minus strand). Cytogenetic location: Xp11.22.
Variant type: single nucleotide variant.
Coding change: c.3278-14C>T on transcript NM_001111125.3 (MANE Select); 14 bases into the intron before coding-DNA position 3278, C replaced by T.
Molecular consequence: intron variant.
Genome position (GRCh38, 1-based): chrX:53,236,509, G>A on the plus strand (C>T on the coding strand, the complement: IQSEC2 is on the minus strand). VCF-style: chrX-53236509-G-A. GRCh37 (hg19) VCF-style: chrX-53265691-G-A.
Other names: c.2663-14C>T (NM_015075.2).
Identifiers: ClinVar variation 383947 (VCV000383947.9), dbSNP rs782292524, ClinGen allele CA10419819.

ClinVar aggregate classification (germline): Likely benign. Review status: criteria provided, multiple submitters, no conflicts (2 of 4 stars). 2 submissions from 2 submitters: Likely benign (2). Last evaluated 2026-01-11.

Conditions:
Intellectual developmental disorder, X-linked 1. Also called: Intellectual disability, X-linked 1; Atkin Flaitz Patil Smith syndrome; MENTAL RETARDATION, X-LINKED 18; MENTAL RETARDATION, X-LINKED 78. Identifiers: Orphanet 777, MedGen C2931498, MONDO:0010656, OMIM 309530.

Allele frequency attached by ClinVar (database versions not stated): gnomAD exomes 0.00002 and 0.00001; TOPMed 0.00002; ExAC 0.00007.
gnomAD v4.1: 12 of 1,186,272 alleles (0.001%); highest among the groups gnomAD compares: East Asian, 0.0031%; no homozygotes.

Submissions (2):

Labcorp Genetics (formerly Invitae), Labcorp
Classification: Likely benign for Intellectual developmental disorder, X-linked 1. Last evaluated: 2026-01-11. Review status: criteria provided, single submitter. Criteria: Invitae Variant Classification Sherloc (09022015). Collection method: clinical testing. Allele origin: germline.

GeneDx
Classification: Likely benign. Last evaluated: 2016-02-22. Review status: criteria provided, single submitter. Criteria: GeneDx Variant Classification (06012015). Collection method: clinical testing. Allele origin: germline. Affected: yes.
Comment: This variant is considered likely benign or benign based on one or more of the following criteria: it is a conservative change, it occurs at a poorly conserved position in the protein, it is predicted to be benign by multiple in silico algorithms, and/or has population frequency not consistent with disease.